The following is an entry in ClinVar:

NM_000096.4(CP):c.746A>C (p.Asp249Ala)

Gene: CP (ceruloplasmin; minus strand). Cytogenetic location: 3q25.1.
Variant type: single nucleotide variant.
Coding change: c.746A>C on transcript NM_000096.4 (MANE Select); coding-DNA position 746, A replaced by C.
Protein change: p.Asp249Ala; replaces aspartic acid 249 with alanine.
Molecular consequence: missense variant. On other transcripts: non-coding transcript variant (1).
Genome position (GRCh38, 1-based): chr3:149,209,246, T>G on the plus strand (A>C on the coding strand, the complement: CP is on the minus strand). VCF-style: chr3-149209246-T-G. GRCh37 (hg19) VCF-style: chr3-148927033-T-G.
Other names: short protein forms D249A.
Identifiers: ClinVar variation 2727531 (VCV002727531.4), dbSNP rs151311306, ClinGen allele CA2661251.

ClinVar aggregate classification (germline): Conflicting classifications of pathogenicity. Review status: criteria provided, conflicting classifications (1 of 4 stars). 2 submissions from 2 submitters: Uncertain significance (1); Likely benign (1). Last evaluated 2025-07-05.

Conditions:
Deficiency of ferroxidase (ACEP). Also called: NEURODEGENERATION WITH BRAIN IRON ACCUMULATION 10; Deficiency of ceruloplasmin; Aceruloplasminemia; Ceruloplasmin deficiency; Familial apoceruloplasmin deficiency; Hereditary ceruloplasmin deficiency. Identifiers: Orphanet 48818, MedGen C0878682, MONDO:0011426, OMIM 604290, HP:0025498.

Allele frequency attached by ClinVar (database versions not stated): gnomAD exomes 0.00002; ExAC 0.00009; ESP Exome Variant Server 0.00015; gnomAD 0.00021.
gnomAD v4.1: 60 of 1,613,706 alleles (0.0037%); highest among the groups gnomAD compares: African/African-American, 0.077%; no homozygotes.

Submissions (2):

Clinical Genomics Laboratory, Washington University in St. Louis
Classification: Uncertain significance for Deficiency of ferroxidase. Last evaluated: 2025-07-05. Review status: criteria provided, single submitter. Criteria: ACMG Guidelines, 2015. Collection method: clinical testing. Allele origin: germline.
Comment: A CP c.746A>C (p.Asp249Ala) variant was identified in a heterozygous state. This variant, to our knowledge, has not been reported in the medical literature but has been reported in the ClinVar database as a likely benign variant by a single submitter (ClinVar variation ID: 2727531). This variant is only observed on 18/282,664 alleles in the general population (gnomAD v.2.1.1), indicating it is not a common variant. Computational predictors are uncertain as to the impact of this variant on CP function. Due to limited information, and based on ACMG/AMP guidelines for variant interpretation (Richards S et al., PMID: 25741868), the clinical significance of this variant is uncertain at this time.

Labcorp Genetics (formerly Invitae), Labcorp
Classification: Likely benign for Deficiency of ferroxidase. Last evaluated: 2023-01-23. Review status: criteria provided, single submitter. Criteria: Invitae Variant Classification Sherloc (09022015). Collection method: clinical testing. Allele origin: germline.